The following is an entry in ClinVar:

NM_001388492.1(HTT):c.5775A>G (p.Gln1925=)

Gene: HTT (huntingtin; plus strand). Cytogenetic location: 4p16.3.
Variant type: single nucleotide variant.
Coding change: c.5775A>G on transcript NM_001388492.1 (MANE Select); coding-DNA position 5775, A replaced by G.
Protein change: p.Gln1925=; no amino-acid change (glutamine 1925 retained).
Molecular consequence: synonymous variant.
Genome position (GRCh38, 1-based): chr4:3,206,552, A>G. VCF-style: chr4-3206552-A-G. GRCh37 (hg19) VCF-style: chr4-3208279-A-G.
Other names: c.5781A>G, p.Gln1927= (NM_002111.8).
Identifiers: ClinVar variation 1383244 (VCV001383244.6), dbSNP rs2110269438, ClinGen allele CA438127257.

ClinVar aggregate classification (germline): Uncertain significance (1 of 4 stars; one submission).

gnomAD v4.1: 1 of 1,614,112 alleles (0.000062%); no homozygotes.

Submission:

Labcorp Genetics (formerly Invitae), Labcorp
Classification: Uncertain significance. Last evaluated: 2021-01-08. Review status: criteria provided, single submitter. Criteria: Invitae Variant Classification Sherloc (09022015). Collection method: clinical testing. Allele origin: germline.
Comment: In summary, the available evidence is currently insufficient to determine the role of this variant in disease. Therefore, it has been classified as a Variant of Uncertain Significance. Algorithms developed to predict the effect of sequence changes on RNA splicing suggest that this variant may create or strengthen a splice site, but this prediction has not been confirmed by published transcriptional studies. This variant has not been reported in the literature in individuals with HTT-related conditions. This sequence change affects codon 1927 of the HTT mRNA. It is a 'silent' change, meaning that it does not change the encoded amino acid sequence of the HTT protein. This variant is not present in population databases (ExAC no frequency).